The following is an entry in ClinVar:

ClinVar aggregate classification (germline): Benign. Review status: criteria provided, multiple submitters, no conflicts (2 of 4 stars). 2 submissions from 2 submitters: Benign (2). Last evaluated 2018-01-13.

Conditions:
Progressive external ophthalmoplegia with mitochondrial DNA deletions, autosomal dominant 2. Also called: PROGRESSIVE EXTERNAL OPHTHALMOPLEGIA, AUTOSOMAL DOMINANT 2. Identifiers: MedGen C1836460, MONDO:0012238, OMIM 609283.

Allele frequency attached by ClinVar (database versions not stated): 1000 Genomes Project 0.00639; 1000 Genomes Project 30x 0.00640; TOPMed 0.01739; gnomAD 0.02525; gnomAD exomes 0.05000.
gnomAD v4.1: 3,071 of 152,384 alleles (2%); highest among the groups gnomAD compares: Non-Finnish European, 2.9%; 52 homozygotes.

Submissions (2):

Illumina Laboratory Services, Illumina
Classification: Benign for Progressive external ophthalmoplegia with mitochondrial DNA deletions, autosomal dominant 2. Last evaluated: 2018-01-13. Review status: criteria provided, single submitter. Criteria: ICSL Variant Classification Criteria 13 December 2019. Collection method: clinical testing. Allele origin: germline.
Comment: This variant was observed in the ICSL laboratory as part of a predisposition screen in an ostensibly healthy population. It had not been previously curated by ICSL or reported in the Human Gene Mutation Database (HGMD: prior to June 1st, 2018), and was therefore a candidate for classification through an automated scoring system. Utilizing variant allele frequency, disease prevalence and penetrance estimates, and inheritance mode, an automated score was calculated to assess if this variant is too frequent to cause the disease. Based on the score and internal cut-off values, a variant classified as benign is not then subjected to further curation. The score for this variant resulted in a classification of benign for this disease.

Breakthrough Genomics
Classification: Benign. Review status: criteria provided, single submitter. Criteria: ACMG Guidelines, 2015. Collection method: not provided. Allele origin: germline. Inheritance: Autosomal recessive inheritance. Affected: yes.

NM_001151.4(SLC25A4):c.*3114C>A

Gene: SLC25A4 (solute carrier family 25 member 4; plus strand). Cytogenetic location: 4q35.1.
Variant type: single nucleotide variant.
Coding change: c.*3114C>A on transcript NM_001151.4 (MANE Select); 3114 bases downstream of the stop codon, C replaced by A.
Molecular consequence: 3 prime UTR variant.
Genome position (GRCh38, 1-based): chr4:185,150,085, C>A. VCF-style: chr4-185150085-C-A. GRCh37 (hg19) VCF-style: chr4-186071239-C-A.
Identifiers: ClinVar variation 348284 (VCV000348284.6), dbSNP rs147626367, ClinGen allele CA10618386.